The following is an entry in ClinVar:

ClinVar aggregate classification (germline): Conflicting classifications of pathogenicity. Review status: criteria provided, conflicting classifications (1 of 4 stars). 2 submissions from 2 submitters: Uncertain significance (1); Likely benign (1). Last evaluated 2026-01-08.

Conditions:
MN1-related disorder. Also called: MN1-related condition.
Inborn genetic diseases. Identifiers: MedGen C0950123, MeSH D030342.

Submissions (2):

PreventionGenetics, part of Exact Sciences
Classification: Likely benign for MN1-related condition. Last evaluated: 2026-01-08. Review status: criteria provided, single submitter. Criteria: ACMG Guidelines, 2015. Collection method: clinical testing. Allele origin: germline.
Comment: This variant is classified as likely benign based on ACMG/AMP sequence variant interpretation guidelines (Richards et al. 2015 PMID: 25741868, with internal and published modifications).

Ambry Genetics
Classification: Uncertain significance for Inborn genetic diseases. Last evaluated: 2025-03-28. Review status: criteria provided, single submitter. Criteria: Ambry Variant Classification Scheme 2023. Collection method: clinical testing. Allele origin: germline.

NM_002430.3(MN1):c.2023C>G (p.Leu675Val)

Gene: MN1 (MN1 proto-oncogene, transcriptional regulator; minus strand). Cytogenetic location: 22q12.1.
Variant type: single nucleotide variant.
Coding change: c.2023C>G on transcript NM_002430.3 (MANE Select); coding-DNA position 2023, C replaced by G.
Protein change: p.Leu675Val; replaces leucine 675 with valine.
Molecular consequence: missense variant.
Genome position (GRCh38, 1-based): chr22:27,798,521, G>C on the plus strand (C>G on the coding strand, the complement: MN1 is on the minus strand). VCF-style: chr22-27798521-G-C. GRCh37 (hg19) VCF-style: chr22-28194509-G-C.
Other names: short protein forms L675V.
Identifiers: ClinVar variation 3912272 (VCV003912272.2).